The following is an entry in ClinVar:

NM_004984.4(KIF5A):c.730_731delinsAA (p.Ala244Lys)

Gene: KIF5A (kinesin family member 5A; plus strand). Cytogenetic location: 12q13.3.
Variant type: Indel.
Coding change: c.730_731delinsAA on transcript NM_004984.4 (MANE Select); coding-DNA positions 730 to 731, GC replaced by AA.
Protein change: p.Ala244Lys; replaces alanine 244 with lysine.
Molecular consequence: missense variant.
Genome position (GRCh38, 1-based): chr12:57,568,978-57,568,979, GC replaced by AA. VCF-style: chr12-57568978-GC-AA. GRCh37 (hg19) VCF-style: chr12-57962761-GC-AA.
Other names: c.463_464delinsAA, p.Ala155Lys (NM_001354705.2); short protein forms A155K, A244K.
Identifiers: ClinVar variation 1481278 (VCV001481278.6), dbSNP rs2140162546, ClinGen allele CA2573148856.

ClinVar aggregate classification (germline): Uncertain significance (1 of 4 stars; one submission).

Conditions:
Spastic paraplegia. Identifiers: MedGen C0037772, HP:0001258.

Submission:

Labcorp Genetics (formerly Invitae), Labcorp
Classification: Uncertain significance for Spastic paraplegia. Last evaluated: 2024-08-11. Review status: criteria provided, single submitter. Criteria: Invitae Variant Classification Sherloc (09022015). Collection method: clinical testing. Allele origin: germline.
Comment: This sequence change replaces alanine, which is neutral and non-polar, with lysine, which is basic and polar, at codon 244 of the KIF5A protein (p.Ala244Lys). Information on the frequency of this variant in the gnomAD database is not available, as this variant may be reported differently in the database. This variant has not been reported in the literature in individuals affected with KIF5A-related conditions. ClinVar contains an entry for this variant (Variation ID: 1481278). An algorithm developed to predict the effect of missense changes on protein structure and function (PolyPhen-2) suggests that this variant is likely to be disruptive. In summary, the available evidence is currently insufficient to determine the role of this variant in disease. Therefore, it has been classified as a Variant of Uncertain Significance.